The following is an entry in ClinVar:

NM_001242896.3(DEPDC5):c.1566C>G (p.Asp522Glu)

Gene: DEPDC5 (DEP domain containing 5, GATOR1 subcomplex subunit; plus strand). Cytogenetic location: 22q12.3.
Variant type: single nucleotide variant.
Coding change: c.1566C>G on transcript NM_001242896.3 (MANE Select); coding-DNA position 1566, C replaced by G.
Protein change: p.Asp522Glu; replaces aspartic acid 522 with glutamic acid.
Molecular consequence: missense variant. On other transcripts: non-coding transcript variant (5).
Genome position (GRCh38, 1-based): chr22:31,815,112, C>G. VCF-style: chr22-31815112-C-G. GRCh37 (hg19) VCF-style: chr22-32211098-C-G.
Other names: c.1566C>G, p.Asp522Glu (NM_001007188.4, NM_001136029.4, NM_001242897.2 and 7 more transcripts); c.1482C>G, p.Asp494Glu (NM_001369901.1, NM_001369902.1); short protein forms D494E, D522E.
Identifiers: ClinVar variation 4760563 (VCV004760563.1).

ClinVar aggregate classification (germline): Uncertain significance (1 of 4 stars; one submission).

Conditions:
Familial focal epilepsy with variable foci (FPEVF). Identifiers: Orphanet 98820, MedGen C1858477, MONDO:0020310.

Submission:

Labcorp Genetics (formerly Invitae), Labcorp
Classification: Uncertain significance for Familial focal epilepsy with variable foci. Last evaluated: 2026-01-18. Review status: criteria provided, single submitter. Criteria: Invitae Variant Classification Sherloc (09022015). Collection method: clinical testing. Allele origin: germline.
Comment: This sequence change replaces aspartic acid, which is acidic and polar, with glutamic acid, which is acidic and polar, at codon 522 of the DEPDC5 protein (p.Asp522Glu). This variant is not present in population databases (gnomAD no frequency). This variant has not been reported in the literature in individuals affected with DEPDC5-related conditions. Experimental studies and prediction algorithms are not available or were not evaluated, and the functional significance of this variant is currently unknown. In summary, the available evidence is currently insufficient to determine the role of this variant in disease. Therefore, it has been classified as a Variant of Uncertain Significance.